The following is an entry in ClinVar:

NM_007194.4(CHEK2):c.682A>T (p.Ser228Cys)

Gene: CHEK2 (checkpoint kinase 2; minus strand). Cytogenetic location: 22q12.1.
Variant type: single nucleotide variant.
Coding change: c.682A>T on transcript NM_007194.4 (MANE Select); coding-DNA position 682, A replaced by T.
Protein change: p.Ser228Cys; replaces serine 228 with cysteine.
Molecular consequence: missense variant. On other transcripts: intron variant (1).
Genome position (GRCh38, 1-based): chr22:28,719,396, T>A on the plus strand (A>T on the coding strand, the complement: CHEK2 is on the minus strand). VCF-style: chr22-28719396-T-A. GRCh37 (hg19) VCF-style: chr22-29115384-T-A.
Other names: c.811A>T, p.Ser271Cys (NM_001005735.3, NM_001438294.1); c.19A>T, p.Ser7Cys (NM_001257387.3, NM_001437942.1); c.775A>T, p.Ser259Cys (NM_001438293.1, NM_001438295.1); c.682A>T, p.Ser228Cys (NM_145862.3); c.482+5490A>T (NM_001349956.3); short protein forms S228C, S7C, S271C, S259C.
Identifiers: ClinVar variation 630742 (VCV000630742.19), dbSNP rs745475247, ClinGen allele CA411104838.

ClinVar aggregate classification (germline): Uncertain significance. Review status: criteria provided, multiple submitters, no conflicts (2 of 4 stars). 4 submissions from 4 submitters: Uncertain significance (4). Last evaluated 2026-02-01.

Conditions:
Familial prostate cancer. Also called: Hereditary Prostate Cancer. Identifiers: MedGen C2931456, MONDO:0700275, OMIM 176807.
CHEK2-related cancer predisposition (TPDS4). Also called: TUMOR PREDISPOSITION SYNDROME 4; CANCER PREDISPOSITION SYNDROME, CHEK2-RELATED; CHEK2-related cancer susceptibility. Identifiers: Orphanet 524, MedGen C5882668, MONDO:0700271, OMIM 609265.
Bone osteosarcoma. Also called: Osteosarcoma, somatic. Identifiers: Orphanet 668, MedGen C0585442, MONDO:0002629, OMIM 259500.
Hereditary cancer-predisposing syndrome. Also called: Hereditary Cancer Syndrome; Hereditary neoplastic syndrome; Tumor predisposition; Neoplastic Syndromes, Hereditary. Identifiers: Orphanet 140162, MedGen C0027672, MeSH D009386, MONDO:0015356.
Familial cancer of breast. Also called: Hereditary breast cancer; BREAST CANCER, FAMILIAL; hereditary breast carcinoma. Identifiers: Orphanet 227535, MedGen C0346153, MONDO:0016419, OMIM 114480. Disease mechanism: loss of function.

Submissions (4):

Labcorp Genetics (formerly Invitae), Labcorp
Classification: Uncertain significance for Familial cancer of breast. Last evaluated: 2026-02-01. Review status: criteria provided, single submitter. Criteria: Invitae Variant Classification Sherloc (09022015). Collection method: clinical testing. Allele origin: germline.
Comment: This sequence change replaces serine, which is neutral and polar, with cysteine, which is neutral and slightly polar, at codon 228 of the CHEK2 protein (p.Ser228Cys). This variant is not present in population databases (gnomAD no frequency). This variant has not been reported in the literature in individuals affected with CHEK2-related conditions. ClinVar contains an entry for this variant (Variation ID: 630742). An algorithm developed to predict the effect of missense changes on protein structure and function (PolyPhen-2) suggests that this variant is likely to be tolerated. Studies have shown that this missense change is associated with inconclusive levels of altered splicing (internal data). In summary, the available evidence is currently insufficient to determine the role of this variant in disease. Therefore, it has been classified as a Variant of Uncertain Significance.

Ambry Genetics
Classification: Uncertain significance for Hereditary cancer-predisposing syndrome. Last evaluated: 2025-04-10. Review status: criteria provided, single submitter. Criteria: Ambry Variant Classification Scheme 2023. Collection method: clinical testing. Allele origin: germline.
Comment: The p.S228C variant (also known as c.682A>T), located in coding exon 4 of the CHEK2 gene, results from an A to T substitution at nucleotide position 682. The serine at codon 228 is replaced by cysteine, an amino acid with dissimilar properties. In silico splice site analysis predicts that this alteration will weaken the native splice donor site. RNA studies have demonstrated that this alteration results in an incomplete splice defect; the clinical impact of this abnormal splicing is unknown at this time (Ambry internal data). This amino acid position is highly conserved in available vertebrate species. In addition, this protein alteration is predicted to be tolerated by in silico analysis. Based on the available evidence, the clinical significance of this variant remains unclear.

Fulgent Genetics
Classification: Uncertain significance for Familial prostate cancer; Bone osteosarcoma; CHEK2-related cancer predisposition. Last evaluated: 2024-06-17. Review status: criteria provided, single submitter. Criteria: ACMG Guidelines, 2015. Collection method: clinical testing. Allele origin: germline.

Color Diagnostics, LLC DBA Color Health
Classification: Uncertain significance for Hereditary cancer-predisposing syndrome. Last evaluated: 2019-02-28. Review status: criteria provided, single submitter. Criteria: ACMG Guidelines, 2015. Collection method: clinical testing. Allele origin: germline.